The following is an entry in ClinVar:

ClinVar aggregate classification (germline): Uncertain significance. Review status: criteria provided, multiple submitters, no conflicts (2 of 4 stars). 2 submissions from 2 submitters: Uncertain significance (2). Last evaluated 2026-01-21.

Conditions:
Brugada syndrome 8 (BRGDA8). Identifiers: Orphanet 130, MedGen C2751083, MONDO:0013148, OMIM 613123.

gnomAD v4.1: 11 of 1,534,076 alleles (0.00072%); highest among the groups gnomAD compares: Non-Finnish European, 0.00096%; no homozygotes.

Submissions (2):

Labcorp Genetics (formerly Invitae), Labcorp
Classification: Uncertain significance for Brugada syndrome 8. Last evaluated: 2026-01-21. Review status: criteria provided, single submitter. Criteria: Invitae Variant Classification Sherloc (09022015). Collection method: clinical testing. Allele origin: germline.
Comment: This sequence change replaces methionine, which is neutral and non-polar, with valine, which is neutral and non-polar, at codon 26 of the HCN4 protein (p.Met26Val). This variant is not present in population databases (gnomAD no frequency). This variant has not been reported in the literature in individuals affected with HCN4-related conditions. ClinVar contains an entry for this variant (Variation ID: 2418563). Invitae Evidence Modeling of protein sequence and biophysical properties (such as structural, functional, and spatial information, amino acid conservation, physicochemical variation, residue mobility, and thermodynamic stability) indicates that this missense variant is not expected to disrupt HCN4 protein function with a negative predictive value of 95%. In summary, the available evidence is currently insufficient to determine the role of this variant in disease. Therefore, it has been classified as a Variant of Uncertain Significance.

Women's Health and Genetics/Laboratory Corporation of America, LabCorp
Classification: Uncertain significance. Last evaluated: 2023-10-12. Review status: criteria provided, single submitter. Criteria: LabCorp Variant Classification Summary - May 2015. Collection method: clinical testing. Allele origin: germline.
Comment: Variant summary: HCN4 c.76A>G (p.Met26Val) results in a conservative amino acid change in the encoded protein sequence. Two of four in-silico tools predict a benign effect of the variant on protein function. The variant was absent in 134600 control chromosomes. The available data on variant occurrences in the general population are insufficient to allow any conclusion about variant significance. To our knowledge, no occurrence of c.76A>G in individuals affected with Sick Sinus Syndrome 2 and no experimental evidence demonstrating its impact on protein function have been reported. One submitter has cited clinical-significance assessments for this variant to ClinVar after 2014 and has classified the variant as uncertain significance. Based on the evidence outlined above, the variant was classified as uncertain significance.

NM_005477.3(HCN4):c.76A>G (p.Met26Val)

Gene: HCN4 (hyperpolarization activated cyclic nucleotide gated potassium channel 4; minus strand). Cytogenetic location: 15q24.1.
Variant type: single nucleotide variant.
Coding change: c.76A>G on transcript NM_005477.3 (MANE Select); coding-DNA position 76, A replaced by G.
Protein change: p.Met26Val; replaces methionine 26 with valine.
Molecular consequence: missense variant.
Genome position (GRCh38, 1-based): chr15:73,368,195, T>C on the plus strand (A>G on the coding strand, the complement: HCN4 is on the minus strand). VCF-style: chr15-73368195-T-C. GRCh37 (hg19) VCF-style: chr15-73660536-T-C.
Other names: short protein forms M26V.
Identifiers: ClinVar variation 2418563 (VCV002418563.7), dbSNP rs1172106722, ClinGen allele CA393099114.